The following is an entry in ClinVar:

NM_001005388.3(NFASC):c.3149A>G (p.Lys1050Arg)

Gene: NFASC (neurofascin; plus strand). Cytogenetic location: 1q32.1.
Variant type: single nucleotide variant.
Coding change: c.3149A>G on transcript NM_001005388.3 (MANE Select); coding-DNA position 3149, A replaced by G.
Protein change: p.Lys1050Arg; replaces lysine 1050 with arginine.
Molecular consequence: missense variant. On other transcripts: intron variant (4).
Genome position (GRCh38, 1-based): chr1:205,002,608, A>G. VCF-style: chr1-205002608-A-G. GRCh37 (hg19) VCF-style: chr1-204971736-A-G.
Other names: c.3470A>G, p.Lys1157Arg (NM_001378329.1); c.3092-6949A>G (NM_001160332.2); c.3077-6949A>G (NM_015090.4); c.2756-6949A>G (NM_001365986.1); c.3137-6949A>G (NM_001160331.2); c.3149A>G (NM_001005388.2); short protein forms K1050R, K1157R.
Identifiers: ClinVar variation 2639845 (VCV002639845.25), dbSNP rs201308601, ClinGen allele CA1350684.
Genomic context (GRCh38, chr1:205,002,608, plus strand): 5'-CAGCTCCTGGTGCCTGGCTCTAGGCTGATTGAGGTTTCTGTTCCCCAGGCAACCATACGA[A>G]AAAAACTGTCCCAGTTAAGGCCCAGGCTCAGCCTATACAGCTGACAGACCTCTATCCCGG-3'
Protein context (NP_001005388.2, residues 1040-1060): VVEYIDSNHT[Lys1050Arg]KTVPVKAQAQ

ClinVar aggregate classification (germline): Likely benign. Review status: criteria provided, multiple submitters, no conflicts (2 of 4 stars). 2 submissions from 2 submitters: Likely benign (2). Last evaluated 2023-07-01.

Conditions:
Inborn genetic diseases. Identifiers: MedGen C0950123, MeSH D030342.

Allele frequency attached by ClinVar (database versions not stated): 1000 Genomes Project 30x 0.00016; 1000 Genomes Project 0.00020; gnomAD exomes 0.00031; TOPMed 0.00032; gnomAD 0.00033; ExAC 0.00039; ESP Exome Variant Server 0.00049.
gnomAD v4.1: 481 of 1,526,552 alleles (0.032%); highest among the groups gnomAD compares: Middle Eastern, 0.16%; no homozygotes.

Submissions (2):

CeGaT Center for Human Genetics Tuebingen
Classification: Likely benign. Last evaluated: 2023-07-01. Review status: criteria provided, single submitter. Criteria: CeGaT Center For Human Genetics Tuebingen Variant Classification Criteria Version 2. Collection method: clinical testing. Allele origin: germline. Affected: yes. Observed: 1 variant allele.
Comment: NFASC: BP4

Ambry Genetics
Classification: Likely benign for Inborn genetic diseases. Last evaluated: 2021-08-16. Review status: criteria provided, single submitter. Criteria: Ambry Variant Classification Scheme 2023. Collection method: clinical testing. Allele origin: germline.